The following is an entry in ClinVar:

ClinVar aggregate classification (germline): Uncertain significance. Review status: criteria provided, single submitter (1 of 4 stars). 2 submissions from 2 submitters: Uncertain significance (1). 1 of the submissions does not count toward it. Last evaluated 2022-07-09.

Conditions:
FANCG-related disorder. Also called: FANCG-related condition.
Fanconi anemia (FA). Also called: Fanconi's anemia. Identifiers: Orphanet 84, MedGen C0015625, MeSH D005199, MONDO:0019391.

Allele frequency attached by ClinVar (database versions not stated): TOPMed below 0.00001; ExAC 0.00001; gnomAD 0.00001; gnomAD exomes 0.00001.
gnomAD v4.1: 13 of 1,614,000 alleles (0.00081%); highest among the groups gnomAD compares: Non-Finnish European, 0.0011%; no homozygotes.

Submissions (2):

Labcorp Genetics (formerly Invitae), Labcorp
Classification: Uncertain significance for Fanconi anemia. Last evaluated: 2022-07-09. Review status: criteria provided, single submitter. Criteria: Invitae Variant Classification Sherloc (09022015). Collection method: clinical testing. Allele origin: germline.
Comment: This sequence change replaces cysteine, which is neutral and slightly polar, with glycine, which is neutral and non-polar, at codon 499 of the FANCG protein (p.Cys499Gly). This variant is present in population databases (rs776600147, gnomAD 0.002%). This variant has not been reported in the literature in individuals affected with FANCG-related conditions. Algorithms developed to predict the effect of missense changes on protein structure and function output the following: SIFT: "Tolerated"; PolyPhen-2: "Benign"; Align-GVGD: "Class C0". The glycine amino acid residue is found in multiple mammalian species, which suggests that this missense change does not adversely affect protein function. Algorithms developed to predict the effect of sequence changes on RNA splicing suggest that this variant may create or strengthen a splice site. In summary, the available evidence is currently insufficient to determine the role of this variant in disease. Therefore, it has been classified as a Variant of Uncertain Significance.

PreventionGenetics, part of Exact Sciences
Classification: Uncertain significance for FANCG-related condition. Last evaluated: 2024-03-20. Review status: no assertion criteria provided. Collection method: clinical testing. Allele origin: germline. Not counted in ClinVar's aggregate classification.
Comment: The FANCG c.1495T>G variant is predicted to result in the amino acid substitution p.Cys499Gly. To our knowledge, this variant has not been reported in the literature. This variant is reported in 0.0018% of alleles in individuals of European (Non-Finnish) descent in gnomAD. At this time, the clinical significance of this variant is uncertain due to the absence of conclusive functional and genetic evidence.

NM_004629.2(FANCG):c.1495T>G (p.Cys499Gly)

Gene: FANCG (FA complementation group G; minus strand). Cytogenetic location: 9p13.3.
Variant type: single nucleotide variant.
Coding change: c.1495T>G on transcript NM_004629.2 (MANE Select); coding-DNA position 1495, T replaced by G.
Protein change: p.Cys499Gly; replaces cysteine 499 with glycine.
Molecular consequence: missense variant.
Genome position (GRCh38, 1-based): chr9:35,075,068, A>C on the plus strand (T>G on the coding strand, the complement: FANCG is on the minus strand). VCF-style: chr9-35075068-A-C. GRCh37 (hg19) VCF-style: chr9-35075065-A-C.
Other names: short protein forms C499G.
Identifiers: ClinVar variation 2049479 (VCV002049479.2), dbSNP rs776600147, ClinGen allele CA5039711.